The following is an entry in ClinVar:

Conditions:
Long QT syndrome 5 (LQT5). Identifiers: Orphanet 101016, Orphanet 768, MedGen C1867904, MONDO:0013372, OMIM 613695.

Submission:

Roden Lab, Vanderbilt University Medical Center
No classification provided (evidence only). Condition: Long QT syndrome 5. Review status: no classification provided. Collection method: in vitro. Allele origin: not applicable. Functional consequence: Effect on ion channel function.
ClinVar note: "not provided" was previously submitted as the classification for the variant. However, the classification appeared to be based only on an observation of functional data so it was converted to no classification on 2025-07-30.

NM_000219.6(KCNE1):c.270G>T (p.Lys90Asn)

Gene: KCNE1 (potassium voltage-gated channel subfamily E regulatory subunit 1; minus strand). Cytogenetic location: 21q22.12.
Variant type: single nucleotide variant.
Coding change: c.270G>T on transcript NM_000219.6 (MANE Select); coding-DNA position 270, G replaced by T.
Protein change: p.Lys90Asn; replaces lysine 90 with asparagine.
Molecular consequence: missense variant.
Genome position (GRCh38, 1-based): chr21:34,449,365, C>A on the plus strand (G>T on the coding strand, the complement: KCNE1 is on the minus strand). VCF-style: chr21-34449365-C-A. GRCh37 (hg19) VCF-style: chr21-35821663-C-A.
Other names: c.270G>T, p.Lys90Asn (NM_001127668.4, NM_001127669.4, NM_001127670.4 and 4 more transcripts); short protein forms K90N.
Identifiers: ClinVar variation 3374492 (VCV003374492.2).